The following is an entry in ClinVar:

ClinVar aggregate classification (germline): Uncertain significance (1 of 4 stars; one submission).

Submission:

Labcorp Genetics (formerly Invitae), Labcorp
Classification: Uncertain significance. Last evaluated: 2026-01-19. Review status: criteria provided, single submitter. Criteria: Invitae Variant Classification Sherloc (09022015). Collection method: clinical testing. Allele origin: germline.
Comment: This sequence change replaces leucine, which is neutral and non-polar, with phenylalanine, which is neutral and non-polar, at codon 797 of the MKL1 protein (p.Leu797Phe). This variant is not present in population databases (gnomAD no frequency). This variant has not been reported in the literature in individuals affected with MKL1-related conditions. ClinVar contains an entry for this variant (Variation ID: 2995232). An algorithm developed to predict the effect of missense changes on protein structure and function (PolyPhen-2) suggests that this variant is likely to be tolerated. In summary, the available evidence is currently insufficient to determine the role of this variant in disease. Therefore, it has been classified as a Variant of Uncertain Significance.

NM_020831.6(MRTFA):c.2689C>T (p.Leu897Phe)

Gene: MRTFA (myocardin related transcription factor A; minus strand). Cytogenetic location: 22q13.1.
Variant type: single nucleotide variant.
Coding change: c.2689C>T on transcript NM_020831.6 (MANE Select); coding-DNA position 2689, C replaced by T.
Protein change: p.Leu897Phe; replaces leucine 897 with phenylalanine.
Molecular consequence: missense variant. On other transcripts: 3 prime UTR variant (1).
Genome position (GRCh38, 1-based): chr22:40,411,797, G>A on the plus strand (C>T on the coding strand, the complement: MRTFA is on the minus strand). VCF-style: chr22-40411797-G-A. GRCh37 (hg19) VCF-style: chr22-40807801-G-A.
Other names: c.2389C>T, p.Leu797Phe (NM_001282660.2); c.2539C>T, p.Leu847Phe (NM_001282661.3); c.*2C>T (NM_001282662.3); c.2494C>T, p.Leu832Phe (NM_001318139.2); short protein forms L797F, L832F, L897F, L847F.
Identifiers: ClinVar variation 2995232 (VCV002995232.3), dbSNP rs1309351773, ClinGen allele CA411653904.
Genomic context (GRCh38, chr22:40,411,797, plus strand): 5'-AGTCCTCCAGGCGTCCAGGGAGGGAGGGTGAGCCTGGAGGAGGTGGGGCAGCCTGGGGGA[G>A]CTCAGCAGAAGGTGATGGCTGTGCTGCCAGGGGGGACCCACAGACTGTCTTCGGGGATGG-3'
Protein context (NP_065882.2, residues 887-907): LAAQPSPSAE[Leu897Phe]PQAAPPPPGS